The following is an entry in ClinVar:

NC_000002.12:g.(?_32063822)_(32089615_?)del

Gene: SPAST (spastin; plus strand). Cytogenetic location: 2p22.3.
Variant type: Deletion.
Identifiers: ClinVar variation 830857 (VCV000830857.3).

ClinVar aggregate classification (germline): Pathogenic (1 of 4 stars; one submission).

Conditions:
Hereditary spastic paraplegia 4. Also called: Spastic paraplegia 4, autosomal dominant; Spastic Paraplegia 4; Familial spastic paraplegia autosomal dominant 2. Identifiers: Orphanet 100985, MedGen C1866855, MONDO:0008438, OMIM 182601.

Submission:

Labcorp Genetics (formerly Invitae), Labcorp
Classification: Pathogenic for Hereditary spastic paraplegia 4. Last evaluated: 2020-03-12. Review status: criteria provided, single submitter. Criteria: Invitae Variant Classification Sherloc (09022015). Collection method: clinical testing. Allele origin: germline.
Comment: A similar deletion of exons 1-3 has been reported in an individual affected with hereditary spastic paraplegia (PMID: 17035675). For these reasons, this variant has been classified as Pathogenic. Loss-of-function variants in SPAST are known to be pathogenic (PMID: 20932283). This variant is a gross deletion of the genomic region encompassing exons 1-3 of the SPAST gene, which includes the initiator codon. The 5' end of this event is unknown as it extends beyond the assayed region for this gene and therefore may encompass additional genes. The 3' boundary is likely confined to intron 3 of the SPAST gene. This is expected to result in an absent or disrupted protein product.

Literature cited by the submitters: PubMed 17035675; PubMed 20932283.